The following is an entry in ClinVar:

NM_001370259.2(MEN1):c.116T>A (p.Leu39Ter)

Gene: MEN1 (menin 1; minus strand). Cytogenetic location: 11q13.1.
Variant type: single nucleotide variant.
Coding change: c.116T>A on transcript NM_001370259.2 (MANE Select); coding-DNA position 116, T replaced by A.
Protein change: p.Leu39Ter; replaces leucine 39 with a stop codon.
Molecular consequence: nonsense. On other transcripts: non-coding transcript variant (4).
Genome position (GRCh38, 1-based): chr11:64,809,994, A>T on the plus strand (T>A on the coding strand, the complement: MEN1 is on the minus strand). VCF-style: chr11-64809994-A-T. GRCh37 (hg19) VCF-style: chr11-64577466-A-T.
Other names: c.116T>A, p.Leu39Ter (NM_000244.4, NM_001370251.2, NM_001370260.2 and 20 more transcripts); short protein forms L39*.
Identifiers: ClinVar variation 2574069 (VCV002574069.1), dbSNP rs1565652770, ClinGen allele CA381187918.

ClinVar aggregate classification (germline): Pathogenic (0 of 4 stars; one submission).

Conditions:
Multiple endocrine neoplasia, type 1 (MEN1). Also called: MEN I; MEA I; WERMER SYNDROME; Endocrine adenomatosis multiple; MEN 1. Identifiers: Orphanet 652, MedGen C0025267, MeSH D018761, MONDO:0007540, OMIM 131100.

Submission:

deCODE genetics, Amgen
Classification: Pathogenic for Multiple endocrine neoplasia, type 1. Last evaluated: 2023-07-21. Review status: no assertion criteria provided. Collection method: research. Allele origin: germline. Affected: yes. Observed: 3 variant alleles.
Comment: The variant NM_001370259.2:c.116T>A (chr11:64809994) in MEN1 was detected in 2 heterozygotes out of 58K WGS Icelanders (MAF= 0,002%). Following imputation in a set of 166K Icelanders (3 imputed heterozygotes) we observed an association with hyperparathyroidism using 390 cases and 265373 controls (OR= 85.12, P= 5.60e-03) and neoplasm of the parathyroid gland using 271 cases and 265492 controls (OR= 83.91, P= 6.07e-03). This variant has not been reported in ClinVar previously. Based on ACMG criteria (PVS1, PS4) this variant classifies as pathogenic.